The following is an entry in ClinVar:

ClinVar aggregate classification (germline): Uncertain significance. Review status: criteria provided, multiple submitters, no conflicts (2 of 4 stars). 2 submissions from 2 submitters: Uncertain significance (2). Last evaluated 2025-01-23.

Conditions:
Cystinuria (CSNU). Also called: Cystinuria, non-type I; CYSTINURIA, TYPE I; CYSTINURIA, TYPE II; CYSTINURIA, TYPE III. Identifiers: Orphanet 214, MedGen C0010691, MONDO:0009067, OMIM 220100, HP:0003131.

Submissions (2):

3billion
Classification: Uncertain significance for Cystinuria. Last evaluated: 2025-01-23. Review status: criteria provided, single submitter. Criteria: ACMG Guidelines, 2015. Collection method: clinical testing. Allele origin: germline. Affected: yes.
Comment: The variant is observed at an extremely low frequency in the gnomAD v4.1.0 dataset (total allele frequency: <0.001%). Predicted Consequence/Location: Missense variant Therefore, this variant is classified as VUS according to the recommendation of ACMG/AMP guideline.

Fulgent Genetics
Classification: Uncertain significance for Cystinuria. Last evaluated: 2024-04-02. Review status: criteria provided, single submitter. Criteria: ACMG Guidelines, 2015. Collection method: clinical testing. Allele origin: germline.

NM_000341.4(SLC3A1):c.946G>A (p.Val316Ile)

Gene: SLC3A1 (solute carrier family 3 member 1; plus strand). Cytogenetic location: 2p21.
Variant type: single nucleotide variant.
Coding change: c.946G>A on transcript NM_000341.4 (MANE Select); coding-DNA position 946, G replaced by A.
Protein change: p.Val316Ile; replaces valine 316 with isoleucine.
Molecular consequence: missense variant.
Genome position (GRCh38, 1-based): chr2:44,300,025, G>A. VCF-style: chr2-44300025-G-A. GRCh37 (hg19) VCF-style: chr2-44527164-G-A.
Other names: short protein forms V316I.
Identifiers: ClinVar variation 3586642 (VCV003586642.2).